The following is an entry in ClinVar:

ClinVar aggregate classification (germline): Uncertain significance. Review status: criteria provided, multiple submitters, no conflicts (2 of 4 stars). 2 submissions from 2 submitters: Uncertain significance (2). Last evaluated 2023-10-03.

Allele frequency attached by ClinVar (database versions not stated): ExAC 0.00001; TOPMed 0.00001.
gnomAD v4.1: 31 of 1,613,868 alleles (0.0019%); highest among the groups gnomAD compares: Middle Eastern, 0.033%; no homozygotes.

Submissions (2):

Labcorp Genetics (formerly Invitae), Labcorp
Classification: Uncertain significance. Last evaluated: 2023-10-03. Review status: criteria provided, single submitter. Criteria: Invitae Variant Classification Sherloc (09022015). Collection method: clinical testing. Allele origin: germline.
Comment: This sequence change replaces arginine, which is basic and polar, with glycine, which is neutral and non-polar, at codon 556 of the TTLL5 protein (p.Arg556Gly). This variant is present in population databases (rs770811029, gnomAD 0.02%). This missense change has been observed in individual(s) with clinical features of TTLL5-related conditions (Invitae). ClinVar contains an entry for this variant (Variation ID: 852335). Advanced modeling of protein sequence and biophysical properties (such as structural, functional, and spatial information, amino acid conservation, physicochemical variation, residue mobility, and thermodynamic stability) performed at Invitae indicates that this missense variant is not expected to disrupt TTLL5 protein function. In summary, the available evidence is currently insufficient to determine the role of this variant in disease. Therefore, it has been classified as a Variant of Uncertain Significance.

Blueprint Genetics
Classification: Uncertain significance. Last evaluated: 2023-09-20. Review status: criteria provided, single submitter. Criteria: ACMG Guidelines, 2015. Collection method: clinical testing. Allele origin: germline.

NM_015072.5(TTLL5):c.1666C>G (p.Arg556Gly)

Gene: TTLL5 (tubulin tyrosine ligase like 5; plus strand). Cytogenetic location: 14q24.3.
Variant type: single nucleotide variant.
Coding change: c.1666C>G on transcript NM_015072.5 (MANE Select); coding-DNA position 1666, C replaced by G.
Protein change: p.Arg556Gly; replaces arginine 556 with glycine.
Molecular consequence: missense variant.
Genome position (GRCh38, 1-based): chr14:75,764,730, C>G. VCF-style: chr14-75764730-C-G. GRCh37 (hg19) VCF-style: chr14-76231073-C-G.
Other names: short protein forms R556G.
Identifiers: ClinVar variation 852335 (VCV000852335.12), dbSNP rs770811029, ClinGen allele CA7279483.